The following is an entry in ClinVar:

ClinVar aggregate classification (germline): Benign. Review status: criteria provided, multiple submitters, no conflicts (2 of 4 stars). 2 submissions from 2 submitters: Benign (2). Last evaluated 2018-01-12.

Conditions:
Deficiency of 2-methylbutyryl-CoA dehydrogenase (ACADSB). Also called: 2-methylbutyryl-CoA dehydrogenase deficiency; SBCAD deficiency; 2-methylbutyric aciduria; Short branched-chain acyl-CoA dehydrogenase deficiency; 2-methylbutyrylglycinuria. Identifiers: Orphanet 79157, MedGen C1864912, MONDO:0012392, OMIM 610006, HP:0020147.

Allele frequency attached by ClinVar (database versions not stated): 1000 Genomes Project 0.33387; 1000 Genomes Project 30x 0.33698; TOPMed 0.35625; gnomAD 0.36669 and 0.36866.

Submissions (2):

Illumina Laboratory Services, Illumina
Classification: Benign for Deficiency of 2-methylbutyryl-CoA dehydrogenase. Last evaluated: 2018-01-12. Review status: criteria provided, single submitter. Criteria: ICSL Variant Classification Criteria 13 December 2019. Collection method: clinical testing. Allele origin: germline.
Comment: This variant was observed in the ICSL laboratory as part of a predisposition screen in an ostensibly healthy population. It had not been previously curated by ICSL or reported in the Human Gene Mutation Database (HGMD: prior to June 1st, 2018), and was therefore a candidate for classification through an automated scoring system. Utilizing variant allele frequency, disease prevalence and penetrance estimates, and inheritance mode, an automated score was calculated to assess if this variant is too frequent to cause the disease. Based on the score and internal cut-off values, a variant classified as benign is not then subjected to further curation. The score for this variant resulted in a classification of benign for this disease.

Breakthrough Genomics
Classification: Benign. Review status: criteria provided, single submitter. Criteria: ACMG Guidelines, 2015. Collection method: not provided. Allele origin: germline. Inheritance: Autosomal recessive inheritance. Affected: yes.

NM_001609.4(ACADSB):c.*4467A>T

Gene: ACADSB (acyl-CoA dehydrogenase short/branched chain; plus strand). Cytogenetic location: 10q26.13.
Variant type: single nucleotide variant.
Coding change: c.*4467A>T on transcript NM_001609.4 (MANE Select); 4467 bases downstream of the stop codon, A replaced by T.
Molecular consequence: 3 prime UTR variant.
Genome position (GRCh38, 1-based): chr10:123,058,232, A>T. VCF-style: chr10-123058232-A-T. GRCh37 (hg19) VCF-style: chr10-124817748-A-T.
Other names: c.*4467A>T (NM_001330174.3).
Identifiers: ClinVar variation 299160 (VCV000299160.6), dbSNP rs6838, ClinGen allele CA10634903.